The following is an entry in ClinVar:

NM_006516.4(SLC2A1):c.183_185delinsAA (p.Thr63fs)

Gene: SLC2A1 (solute carrier family 2 member 1; minus strand). Cytogenetic location: 1p34.2.
Variant type: Indel.
Coding change: c.183_185delinsAA on transcript NM_006516.4 (MANE Select); coding-DNA positions 183 to 185, CAC replaced by AA.
Protein change: p.Thr63fs; shifts the reading frame from threonine 63.
Molecular consequence: frameshift variant.
Genome position (GRCh38, 1-based): chr1:42,931,136-42,931,138, GTG replaced by TT on the plus strand (CAC replaced by AA on the coding strand, the reverse complement: SLC2A1 is on the minus strand). VCF-style: chr1-42931136-GTG-TT. GRCh37 (hg19) VCF-style: chr1-43396807-GTG-TT.
Other names: short protein forms T63fs.
Identifiers: ClinVar variation 817368 (VCV000817368.1), dbSNP rs1570593881, ClinGen allele CA915941237.

ClinVar aggregate classification (germline): Pathogenic (1 of 4 stars; one submission).

Submission:

GeneDx
Classification: Pathogenic. Last evaluated: 2018-12-21. Review status: criteria provided, single submitter. Criteria: GeneDx Variant Classification (06012015). Collection method: clinical testing. Allele origin: germline. Affected: yes.
Comment: The c.183_185delCACinsAA pathogenic variant in the SLC2A1 gene causes a frameshift starting with codon Threonine 63, changes this amino acid to an Arginine residue and creates a premature Stop codon at position 15 of the new reading frame, denoted p.Thr63ArgfsX15. This pathogenic variant is predicted to cause loss of normal protein function either through protein truncation or nonsense-mediated mRNA decay. The c.183_185delCACinsAA variant is not observed in large population cohorts (Lek et al., 2016).